The following is an entry in ClinVar:

ClinVar aggregate classification (germline): Uncertain significance. Review status: criteria provided, multiple submitters, no conflicts (2 of 4 stars). 2 submissions from 2 submitters: Uncertain significance (2). Last evaluated 2024-12-08.

Conditions:
Inborn genetic diseases. Identifiers: MedGen C0950123, MeSH D030342.
Baller-Gerold syndrome (BGS). Also called: CRANIOSYNOSTOSIS WITH RADIAL DEFECTS. Identifiers: Orphanet 1225, MedGen C0265308, MONDO:0009039, OMIM 218600.

Allele frequency attached by ClinVar (database versions not stated): gnomAD exomes 0.00001.

Submissions (2):

Ambry Genetics
Classification: Uncertain significance for Inborn genetic diseases. Last evaluated: 2024-12-08. Review status: criteria provided, single submitter. Criteria: Ambry Variant Classification Scheme 2023. Collection method: clinical testing. Allele origin: germline.
Comment: The p.A727V variant (also known as c.2180C>T), located in coding exon 13 of the RECQL4 gene, results from a C to T substitution at nucleotide position 2180. The alanine at codon 727 is replaced by valine, an amino acid with similar properties. This amino acid position is conserved. In addition, this alteration is predicted to be tolerated by in silico analysis. Based on the available evidence, the clinical significance of this variant remains unclear.

Labcorp Genetics (formerly Invitae), Labcorp
Classification: Uncertain significance for Baller-Gerold syndrome. Last evaluated: 2024-01-05. Review status: criteria provided, single submitter. Criteria: Invitae Variant Classification Sherloc (09022015). Collection method: clinical testing. Allele origin: germline.
Comment: This sequence change replaces alanine, which is neutral and non-polar, with valine, which is neutral and non-polar, at codon 727 of the RECQL4 protein (p.Ala727Val). This variant is not present in population databases (gnomAD no frequency). This variant has not been reported in the literature in individuals affected with RECQL4-related conditions. ClinVar contains an entry for this variant (Variation ID: 964442). Advanced modeling of protein sequence and biophysical properties (such as structural, functional, and spatial information, amino acid conservation, physicochemical variation, residue mobility, and thermodynamic stability) performed at Invitae indicates that this missense variant is not expected to disrupt RECQL4 protein function with a negative predictive value of 80%. In summary, the available evidence is currently insufficient to determine the role of this variant in disease. Therefore, it has been classified as a Variant of Uncertain Significance.

NM_004260.4(RECQL4):c.2180C>T (p.Ala727Val)

Gene: RECQL4 (RecQ like helicase 4; minus strand). Cytogenetic location: 8q24.3.
Variant type: single nucleotide variant.
Coding change: c.2180C>T on transcript NM_004260.4 (MANE Select); coding-DNA position 2180, C replaced by T.
Protein change: p.Ala727Val; replaces alanine 727 with valine.
Molecular consequence: missense variant.
Genome position (GRCh38, 1-based): chr8:144,513,591, G>A on the plus strand (C>T on the coding strand, the complement: RECQL4 is on the minus strand). VCF-style: chr8-144513591-G-A. GRCh37 (hg19) VCF-style: chr8-145738975-G-A.
Other names: short protein forms A727V.
Identifiers: ClinVar variation 964442 (VCV000964442.7), dbSNP rs1827659174, ClinGen allele CA372679617.